The following is an entry in ClinVar:

ClinVar aggregate classification (germline): Conflicting classifications of pathogenicity. Review status: criteria provided, conflicting classifications (1 of 4 stars). 2 submissions from 2 submitters: Uncertain significance (1); Likely benign (1). Last evaluated 2024-04-02.

Allele frequency attached by ClinVar (database versions not stated): gnomAD 0.00001; gnomAD exomes 0.00001 and 0.00002; ExAC 0.00002; TOPMed 0.00003.
gnomAD v4.1: 15 of 1,209,348 alleles (0.0012%); highest among the groups gnomAD compares: Non-Finnish European, 0.0013%; 1 homozygote.

Submissions (2):

Labcorp Genetics (formerly Invitae), Labcorp
Classification: Uncertain significance. Last evaluated: 2024-04-02. Review status: criteria provided, single submitter. Criteria: Invitae Variant Classification Sherloc (09022015). Collection method: clinical testing. Allele origin: germline.
Comment: This sequence change replaces phenylalanine, which is neutral and non-polar, with leucine, which is neutral and non-polar, at codon 282 of the DRP2 protein (p.Phe282Leu). This variant is present in population databases (rs776262419, gnomAD 0.007%). This variant has not been reported in the literature in individuals affected with DRP2-related conditions. ClinVar contains an entry for this variant (Variation ID: 1404767). Advanced modeling of protein sequence and biophysical properties (such as structural, functional, and spatial information, amino acid conservation, physicochemical variation, residue mobility, and thermodynamic stability) performed at Invitae indicates that this missense variant is not expected to disrupt DRP2 protein function with a negative predictive value of 80%. In summary, the available evidence is currently insufficient to determine the role of this variant in disease. Therefore, it has been classified as a Variant of Uncertain Significance.

CeGaT Center for Human Genetics Tuebingen
Classification: Likely benign. Last evaluated: 2024-02-01. Review status: criteria provided, single submitter. Criteria: CeGaT Center For Human Genetics Tuebingen Variant Classification Criteria Version 2. Collection method: clinical testing. Allele origin: germline. Affected: yes. Observed: 1 variant allele.
Comment: DRP2: BS2

NM_001939.3(DRP2):c.844T>C (p.Phe282Leu)

Gene: DRP2 (dystrophin related protein 2; plus strand). Cytogenetic location: Xq22.1.
Variant type: single nucleotide variant.
Coding change: c.844T>C on transcript NM_001939.3 (MANE Select); coding-DNA position 844, T replaced by C.
Protein change: p.Phe282Leu; replaces phenylalanine 282 with leucine.
Molecular consequence: missense variant.
Genome position (GRCh38, 1-based): chrX:101,242,340, T>C. VCF-style: chrX-101242340-T-C. GRCh37 (hg19) VCF-style: chrX-100497329-T-C.
Other names: c.610T>C, p.Phe204Leu (NM_001171184.2); short protein forms F204L, F282L.
Identifiers: ClinVar variation 1404767 (VCV001404767.29), dbSNP rs776262419, ClinGen allele CA10472147.